The following is an entry in ClinVar:

ClinVar aggregate classification (germline): Uncertain significance. Review status: criteria provided, multiple submitters, no conflicts (2 of 4 stars). 3 submissions from 3 submitters: Uncertain significance (3). Last evaluated 2024-05-08.

Conditions:
Hypogonadotropic hypogonadism 18 with or without anosmia (HH18). Identifiers: Orphanet 478, MedGen C3808975, MONDO:0014103, OMIM 615267.

Allele frequency attached by ClinVar (database versions not stated): gnomAD 0.00001 and 0.00004; TOPMed 0.00001; gnomAD exomes 0.00003 and 0.00004.
gnomAD v4.1: 66 of 1,613,988 alleles (0.0041%); highest among the groups gnomAD compares: Middle Eastern, 0.64%; no homozygotes.

Submissions (3):

Ambry Genetics
Classification: Uncertain significance. Last evaluated: 2024-05-08. Review status: criteria provided, single submitter. Criteria: Ambry Variant Classification Scheme 2023. Collection method: clinical testing. Allele origin: germline.

Baylor Genetics
Classification: Uncertain significance for Hypogonadotropic hypogonadism 18 with or without anosmia. Last evaluated: 2019-09-06. Review status: criteria provided, single submitter. Criteria: ACMG Guidelines, 2015. Collection method: clinical testing. Allele origin: unknown. Affected: yes.
Comment: This variant was determined to be of uncertain significance according to ACMG Guidelines, 2015 [PMID:25741868].

Breakthrough Genomics
Classification: Uncertain significance. Review status: criteria provided, single submitter. Criteria: ACMG Guidelines, 2015. Collection method: not provided. Allele origin: germline. Inheritance: Autosomal recessive inheritance. Affected: yes.

NM_017563.5(IL17RD):c.1373C>G (p.Ala458Gly)

Genes: IL17RD (interleukin 17 receptor D; minus strand), LOC126806689 (BRD4-independent group 4 enhancer GRCh37_chr3:57131244-57132443; plus strand). Cytogenetic location: 3p14.3.
Variant type: single nucleotide variant.
Coding change: c.1373C>G on transcript NM_017563.5 (MANE Select); coding-DNA position 1373, C replaced by G.
Protein change: p.Ala458Gly; replaces alanine 458 with glycine.
Molecular consequence: missense variant.
Genome position (GRCh38, 1-based): chr3:57,098,330, G>C on the plus strand (C>G on the coding strand, the complement: IL17RD is on the minus strand). VCF-style: chr3-57098330-G-C. GRCh37 (hg19) VCF-style: chr3-57132358-G-C.
Other names: c.941C>G, p.Ala314Gly (NM_001318864.2); short protein forms A458G, A314G.
Identifiers: ClinVar variation 1029472 (VCV001029472.3), dbSNP rs867131722, ClinGen allele CA74987436.
Genomic context (GRCh38, chr3:57,098,330, plus strand): 5'-ACGGCGATAAACTTGCTGAGCGCCGCGGACGAACTCTGCTTGGCCTGGCGGAGCTTTTCG[G>C]CAATGGCTGACACCGCCACCAGGAAGAGCTCTCCTTTCCCCGAGCCTCGGCCACCTCCTT-3'
Protein context (NP_060033.3, residues 448-468): ELFLVAVSAI[Ala458Gly]EKLRQAKQSS